The following is an entry in ClinVar:

NM_000238.4(KCNH2):c.2145+9A>T

Gene: KCNH2 (potassium voltage-gated channel subfamily H member 2; minus strand). Cytogenetic location: 7q36.1.
Variant type: single nucleotide variant.
Coding change: c.2145+9A>T on transcript NM_000238.4 (MANE Select); 9 bases into the intron after coding-DNA position 2145, A replaced by T.
Molecular consequence: intron variant.
Genome position (GRCh38, 1-based): chr7:150,950,912, T>A on the plus strand (A>T on the coding strand, the complement: KCNH2 is on the minus strand). VCF-style: chr7-150950912-T-A. GRCh37 (hg19) VCF-style: chr7-150648000-T-A.
Other names: c.1857+9A>T (NM_001406753.1, NM_001406756.1); c.1125+9A>T (NM_172057.3, NM_001204798.2); c.2145+9A>T (NM_172056.3); c.1968+9A>T (NM_001406755.1); c.1845+9A>T (NM_001406757.1).
Identifiers: ClinVar variation 359310 (VCV000359310.19), dbSNP rs371749379, ClinGen allele CA031011.

ClinVar aggregate classification (germline): Conflicting classifications of pathogenicity. Review status: criteria provided, conflicting classifications (1 of 4 stars). 4 submissions from 4 submitters: Uncertain significance (1); Benign (1); Likely benign (2). Last evaluated 2026-01-12.

Conditions:
Long QT syndrome 2 (LQT2). Identifiers: Orphanet 101016, Orphanet 768, MedGen C3150943, MONDO:0013367, OMIM 613688.
Long QT syndrome (LQTS). Identifiers: MedGen C0023976, MeSH D008133, MONDO:0002442. Disease mechanism: loss of function. Inheritance: Various modes of inheritance.

Allele frequency attached by ClinVar (database versions not stated): ExAC 0.00001; gnomAD exomes 0.00005; ESP Exome Variant Server 0.00008; TOPMed 0.00008; gnomAD 0.00009.
gnomAD v4.1: 248 of 1,613,646 alleles (0.015%); highest among the groups gnomAD compares: Non-Finnish European, 0.02%; no homozygotes.

Submissions (4):

Labcorp Genetics (formerly Invitae), Labcorp
Classification: Likely benign for Long QT syndrome. Last evaluated: 2026-01-12. Review status: criteria provided, single submitter. Criteria: Invitae Variant Classification Sherloc (09022015). Collection method: clinical testing. Allele origin: germline.

Women's Health and Genetics/Laboratory Corporation of America, LabCorp
Classification: Likely benign. Last evaluated: 2021-07-12. Review status: criteria provided, single submitter. Criteria: LabCorp Variant Classification Summary - May 2015. Collection method: clinical testing. Allele origin: germline.
Comment: Variant summary: KCNH2 c.2145+9A>T alters a non-conserved nucleotide located close to a canonical splice site and therefore could affect mRNA splicing, leading to a significantly altered protein sequence. 4/4 computational tools predict no significant impact on normal splicing. However, these predictions have yet to be confirmed by functional studies. The variant allele was found at a frequency of 6.8e-05 in 395986 control chromosomes, predominantly at a frequency of 0.00013 within the Non-Finnish European subpopulation in the gnomAD database (v2.1 and v3.1 datasets). The observed variant frequency within Non-Finnish European control individuals in the gnomAD database is approximately 1.3 fold of the estimated maximal expected allele frequency for a pathogenic variant in KCNH2 causing Arrhythmia phenotype (0.0001), strongly suggesting that the variant is a benign polymorphism found primarily in populations of Non-Finnish European origin. To our knowledge, no occurrence of c.2145+9A>T in individuals affected with Arrhythmia and no experimental evidence demonstrating its impact on protein function have been reported. Two clinical diagnostic laboratories have submitted clinical-significance assessments for this variant to ClinVar after 2014 without evidence for independent evaluation, and one laboratory classified the variant as likely benign, while the other laboratory classified the variant as uncertain significance. Based on the evidence outlined above, the variant was classified as likely benign.

Illumina Laboratory Services, Illumina
Classification: Uncertain significance for Long QT syndrome 2. Last evaluated: 2018-01-12. Review status: criteria provided, single submitter. Criteria: ICSL Variant Classification Criteria 13 December 2019. Collection method: clinical testing. Allele origin: germline.

GeneDx
Classification: Benign. Last evaluated: 2015-03-03. Review status: criteria provided, single submitter. Criteria: GeneDx Variant Classification Process June 2021. Collection method: clinical testing. Allele origin: germline. Affected: yes.